The following is an entry in ClinVar:

NM_001292063.2(OTOG):c.2486+6T>A

Gene: OTOG (otogelin; plus strand). Cytogenetic location: 11p15.1.
Variant type: single nucleotide variant.
Coding change: c.2486+6T>A on transcript NM_001292063.2 (MANE Select); 6 bases into the intron after coding-DNA position 2486, T replaced by A.
Molecular consequence: intron variant.
Genome position (GRCh38, 1-based): chr11:17,574,918, T>A. VCF-style: chr11-17574918-T-A. GRCh37 (hg19) VCF-style: chr11-17596465-T-A.
Other names: c.2522+6T>A (NM_001277269.2).
Identifiers: ClinVar variation 1488159 (VCV001488159.6), dbSNP rs2134030088, ClinGen allele CA2573146178.
Genomic context (GRCh38, chr11:17,574,918, plus strand): 5'-GTGCCTGCCCACCGGACACCTATCTGGACACCCAGGCTGACCTCTGTGTCCCCCGGTGAG[T>A]GGGTCAGCTTGATCTCTGAGTTGGGTGGGAAGGTGAGGCCAGGGGTCTCCAGGGCATCTG-3'

ClinVar aggregate classification (germline): Uncertain significance (1 of 4 stars; one submission).

Submission:

Labcorp Genetics (formerly Invitae), Labcorp
Classification: Uncertain significance. Last evaluated: 2022-03-09. Review status: criteria provided, single submitter. Criteria: Invitae Variant Classification Sherloc (09022015). Collection method: clinical testing. Allele origin: germline.
Comment: In summary, the available evidence is currently insufficient to determine the role of this variant in disease. Therefore, it has been classified as a Variant of Uncertain Significance. Variants that disrupt the consensus splice site are a relatively common cause of aberrant splicing (PMID: 17576681, 9536098). Algorithms developed to predict the effect of sequence changes on RNA splicing suggest that this variant may disrupt the consensus splice site. This variant has not been reported in the literature in individuals affected with OTOG-related conditions. This variant is not present in population databases (gnomAD no frequency). This sequence change falls in intron 19 of the OTOG gene. It does not directly change the encoded amino acid sequence of the OTOG protein. It affects a nucleotide within the consensus splice site.

Literature cited by the submitters: PubMed 17576681; PubMed 9536098.